The following is an entry in ClinVar:

ClinVar aggregate classification (germline): Uncertain significance (1 of 4 stars; one submission).

Allele frequency attached by ClinVar (database versions not stated): TOPMed below 0.00001; gnomAD exomes 0.00001.
gnomAD v4.1: 10 of 1,614,142 alleles (0.00062%); highest among the groups gnomAD compares: South Asian, 0.0099%; no homozygotes.

Submission:

Labcorp Genetics (formerly Invitae), Labcorp
Classification: Uncertain significance. Last evaluated: 2022-08-09. Review status: criteria provided, single submitter. Criteria: Invitae Variant Classification Sherloc (09022015). Collection method: clinical testing. Allele origin: germline.
Comment: This sequence change replaces glycine, which is neutral and non-polar, with glutamic acid, which is acidic and polar, at codon 105 of the PPIB protein (p.Gly105Glu). This variant is present in population databases (no rsID available, gnomAD 0.01%). This variant has not been reported in the literature in individuals affected with PPIB-related conditions. ClinVar contains an entry for this variant (Variation ID: 1369179). Algorithms developed to predict the effect of missense changes on protein structure and function (SIFT, PolyPhen-2, Align-GVGD) all suggest that this variant is likely to be disruptive. In summary, the available evidence is currently insufficient to determine the role of this variant in disease. Therefore, it has been classified as a Variant of Uncertain Significance.

NM_000942.5(PPIB):c.314G>A (p.Gly105Glu)

Gene: PPIB (peptidylprolyl isomerase B; minus strand). Cytogenetic location: 15q22.31.
Variant type: single nucleotide variant.
Coding change: c.314G>A on transcript NM_000942.5 (MANE Select); coding-DNA position 314, G replaced by A.
Protein change: p.Gly105Glu; replaces glycine 105 with glutamic acid.
Molecular consequence: missense variant.
Genome position (GRCh38, 1-based): chr15:64,160,133, C>T on the plus strand (G>A on the coding strand, the complement: PPIB is on the minus strand). VCF-style: chr15-64160133-C-T. GRCh37 (hg19) VCF-style: chr15-64452332-C-T.
Other names: short protein forms G105E.
Identifiers: ClinVar variation 1369179 (VCV001369179.8), dbSNP rs1457487504, ClinGen allele CA392817854.